The following is an entry in ClinVar:

NM_000944.5(PPP3CA):c.228A>T (p.Lys76Asn)

Gene: PPP3CA (protein phosphatase 3 catalytic subunit alpha; minus strand). Cytogenetic location: 4q24.
Variant type: single nucleotide variant.
Coding change: c.228A>T on transcript NM_000944.5 (MANE Select); coding-DNA position 228, A replaced by T.
Protein change: p.Lys76Asn; replaces lysine 76 with asparagine.
Molecular consequence: missense variant.
Genome position (GRCh38, 1-based): chr4:101,195,947, T>A on the plus strand (A>T on the coding strand, the complement: PPP3CA is on the minus strand). VCF-style: chr4-101195947-T-A. GRCh37 (hg19) VCF-style: chr4-102117104-T-A.
Other names: c.228A>T, p.Lys76Asn (NM_001130691.2, NM_001130692.2); short protein forms K76N.
Identifiers: ClinVar variation 1412485 (VCV001412485.6), dbSNP rs371141456, ClinGen allele CA357950781.

ClinVar aggregate classification (germline): Uncertain significance (1 of 4 stars; one submission).

Submission:

Labcorp Genetics (formerly Invitae), Labcorp
Classification: Uncertain significance. Last evaluated: 2022-10-17. Review status: criteria provided, single submitter. Criteria: Invitae Variant Classification Sherloc (09022015). Collection method: clinical testing. Allele origin: germline.
Comment: This sequence change replaces lysine, which is basic and polar, with asparagine, which is neutral and polar, at codon 76 of the PPP3CA protein (p.Lys76Asn). This variant is not present in population databases (gnomAD no frequency). This variant has not been reported in the literature in individuals affected with PPP3CA-related conditions. ClinVar contains an entry for this variant (Variation ID: 1412485). Advanced modeling of protein sequence and biophysical properties (such as structural, functional, and spatial information, amino acid conservation, physicochemical variation, residue mobility, and thermodynamic stability) performed at Invitae indicates that this missense variant is not expected to disrupt PPP3CA protein function. In summary, the available evidence is currently insufficient to determine the role of this variant in disease. Therefore, it has been classified as a Variant of Uncertain Significance.